The following is an entry in ClinVar:

NM_138459.5(NUS1):c.214C>A (p.Pro72Thr)

Gene: NUS1 (NUS1 dehydrodolichyl diphosphate synthase subunit; plus strand). Cytogenetic location: 6q22.1.
Variant type: single nucleotide variant.
Coding change: c.214C>A on transcript NM_138459.5 (MANE Select); coding-DNA position 214, C replaced by A.
Protein change: p.Pro72Thr; replaces proline 72 with threonine.
Molecular consequence: missense variant.
Genome position (GRCh38, 1-based): chr6:117,675,884, C>A. VCF-style: chr6-117675884-C-A. GRCh37 (hg19) VCF-style: chr6-117997047-C-A.
Other names: short protein forms P72T.
Identifiers: ClinVar variation 1525814 (VCV001525814.6), dbSNP rs1460197813, ClinGen allele CA365536135.
Genomic context (GRCh38, chr6:117,675,884, plus strand): 5'-CTCGGCTTCACGCTCCGCAAGCCCCCGGCAGTCGGCAGGAACCGCCGTCACCACCGGCAC[C>A]CGCGCGGGGGGTCGTGCCTGGCAGCCGCACACCACCGGATGCGCTGGCGCGCGGACGGTC-3'
Protein context (NP_612468.1, residues 62-82): VGRNRRHHRH[Pro72Thr]RGGSCLAAAH

ClinVar aggregate classification (germline): Uncertain significance (1 of 4 stars; one submission).

Conditions:
Congenital disorder of glycosylation, type Iaa. Also called: Congenital disorder of glycosylation, type 1aa. Identifiers: MedGen C4310727, MONDO:0014904, OMIM 617082.

Submission:

Labcorp Genetics (formerly Invitae), Labcorp
Classification: Uncertain significance for Congenital disorder of glycosylation, type Iaa. Last evaluated: 2022-06-13. Review status: criteria provided, single submitter. Criteria: Invitae Variant Classification Sherloc (09022015). Collection method: clinical testing. Allele origin: germline.
Comment: This variant has not been reported in the literature in individuals affected with NUS1-related conditions. In summary, the available evidence is currently insufficient to determine the role of this variant in disease. Therefore, it has been classified as a Variant of Uncertain Significance. Algorithms developed to predict the effect of missense changes on protein structure and function (SIFT, PolyPhen-2, Align-GVGD) all suggest that this variant is likely to be tolerated. This variant is not present in population databases (gnomAD no frequency). This sequence change replaces proline, which is neutral and non-polar, with threonine, which is neutral and polar, at codon 72 of the NUS1 protein (p.Pro72Thr).